The following is an entry in ClinVar:

ClinVar aggregate classification (germline): Likely pathogenic. Review status: criteria provided, single submitter (1 of 4 stars). 2 submissions from 2 submitters: Likely pathogenic (1). 1 of the submissions does not count toward it. Last evaluated 2024-04-02.

Conditions:
CYP21A2-related disorder. Also called: CYP21A2-related condition.

gnomAD v4.1: 9 of 1,611,324 alleles (0.00056%); highest among the groups gnomAD compares: East Asian, 0.0022%; no homozygotes.

Submissions (2):

Blueprint Genetics
Classification: Likely pathogenic for CYP21A2-related disorders. Last evaluated: 2024-04-02. Review status: criteria provided, single submitter. Criteria: ACMG Guidelines, 2015. Collection method: clinical testing. Allele origin: germline. Affected: yes. Observed: 2 variant alleles.

PreventionGenetics, part of Exact Sciences
Classification: Pathogenic for CYP21A2-related condition. Last evaluated: 2024-09-09. Review status: no assertion criteria provided. Collection method: clinical testing. Allele origin: germline. Not counted in ClinVar's aggregate classification.
Comment: The CYP21A2 c.535G>A variant is predicted to result in the amino acid substitution p.Gly179Arg. This variant was reported in the compound heterozygous state with a common pseudogene-derived pathogenic variant c.518T>A (p.Ile173Asn) (aka I172N) in an individual with simple virilizing (SV) congenital adrenal hyperplasia (CAH); and the functional study of this variant showed complete loss of enzymatic function and suggested that this variant is associated with salt-wasting (SW) CAH (reported as G178R in Grischuk et al. 2006. PubMed ID: 16984992). This variant is reported in 0.0055% of alleles in individuals of East Asian descent in gnomAD. This variant falls within a highly paralogous region. Allele frequency data should be interpreted with caution. Of note, a different substitution by a smaller residue at the same codon, defined as c.536G>C (p.Gly179Ala), has been reported to be pathogenic and associated with the milder SV form of CAH due to retained enzymatic activity (reported as G178A in Lobato et al. 1999. PubMed ID: 10364682 and Nunez et al. 1999. PubMed ID: 10471376). Substitutions at the residue p.Gly179 (reported as G178) were suggested to impair structural stability by a structure-phenotype correlation study of CYP21A2 variants in CAH (Haider et al. 2013. PubMed ID: 23359706). The c.535G>A (p.Gly179Arg) variant is interpreted as pathogenic and is likely associated with SW form of CAH.

NM_000500.9(CYP21A2):c.535G>A (p.Gly179Arg)

Genes: CYP21A2 (cytochrome P450 family 21 subfamily A member 2; plus strand), LOC106780800 (CYP21A2 recombination region; plus strand). Cytogenetic location: 6p21.33.
Variant type: single nucleotide variant.
Coding change: c.535G>A on transcript NM_000500.9 (MANE Select); coding-DNA position 535, G replaced by A.
Protein change: p.Gly179Arg; replaces glycine 179 with arginine.
Molecular consequence: missense variant.
Genome position (GRCh38, 1-based): chr6:32,039,443, G>A. VCF-style: chr6-32039443-G-A. GRCh37 (hg19) VCF-style: chr6-32007220-G-A.
Other names: c.445G>A, p.Gly149Arg (NM_001128590.4); c.130G>A, p.Gly44Arg (NM_001368143.2, NM_001368144.2); short protein forms G149R, G179R, G44R.
Identifiers: ClinVar variation 3356669 (VCV003356669.2).